The following is an entry in ClinVar:

ClinVar aggregate classification (germline): Uncertain significance (1 of 4 stars; one submission).

Conditions:
Febrile seizures, familial, 8 (FEB8). Also called: CONVULSIONS, FAMILIAL FEBRILE, 8. Identifiers: Orphanet 36387, MedGen C1969810, MONDO:0011891, OMIM 607681.
EPILEPSY, CHILDHOOD ABSENCE, SUSCEPTIBILITY TO, 2 (ECA2). Identifiers: Orphanet 64280, MedGen C1843244, OMIM 607681.

Submission:

Labcorp Genetics (formerly Invitae), Labcorp
Classification: Uncertain significance for Febrile seizures, familial, 8; EPILEPSY, CHILDHOOD ABSENCE, SUSCEPTIBILITY TO, 2. Last evaluated: 2021-12-31. Review status: criteria provided, single submitter. Criteria: Invitae Variant Classification Sherloc (09022015). Collection method: clinical testing. Allele origin: germline.
Comment: In summary, the available evidence is currently insufficient to determine the role of this variant in disease. Therefore, it has been classified as a Variant of Uncertain Significance. Advanced modeling of protein sequence and biophysical properties (such as structural, functional, and spatial information, amino acid conservation, physicochemical variation, residue mobility, and thermodynamic stability) performed at Invitae indicates that this missense variant is expected to disrupt GABRG2 protein function. This variant has not been reported in the literature in individuals affected with GABRG2-related conditions. This variant is not present in population databases (gnomAD no frequency). This sequence change replaces tyrosine, which is neutral and polar, with asparagine, which is neutral and polar, at codon 331 of the GABRG2 protein (p.Tyr331Asn).

NM_198904.4(GABRG2):c.991T>A (p.Tyr331Asn)

Gene: GABRG2 (gamma-aminobutyric acid type A receptor subunit gamma2; plus strand). Cytogenetic location: 5q34.
Variant type: single nucleotide variant.
Coding change: c.991T>A on transcript NM_198904.4 (MANE Select); coding-DNA position 991, T replaced by A.
Protein change: p.Tyr331Asn; replaces tyrosine 331 with asparagine.
Molecular consequence: missense variant. On other transcripts: intron variant (1).
Genome position (GRCh38, 1-based): chr5:162,149,176, T>A. VCF-style: chr5-162149176-T-A. GRCh37 (hg19) VCF-style: chr5-161576182-T-A.
Other names: c.991T>A, p.Tyr331Asn (NM_000816.3); c.982T>A, p.Tyr328Asn (NM_001375339.1); c.988T>A, p.Tyr330Asn (NM_001375341.1, NM_001375342.1); c.1111T>A, p.Tyr371Asn (NM_001375343.1, NM_198903.2); c.1030T>A, p.Tyr344Asn (NM_001375344.1); c.925T>A, p.Tyr309Asn (NM_001375345.1, NM_001375346.1); c.904T>A, p.Tyr302Asn (NM_001375347.1); c.571T>A, p.Tyr191Asn (NM_001375348.1, NM_001375350.1); and 2 more; short protein forms Y191N, Y331N, Y344N, Y236N, Y309N, Y328N, Y330N, Y371N.
Identifiers: ClinVar variation 2067339 (VCV002067339.4), dbSNP rs2532756367, ClinGen allele CA362182434.
Genomic context (GRCh38, chr5:162,149,176, plus strand): 5'-ACTGTCCTGACAATGACCACCCTCAGCACCATTGCCCGGAAATCGCTCCCCAAGGTCTCC[T>A]ATGTCACAGCGATGGATCTCTTTGTATCTGTTTGTTTCATCTTTGTCTTCTCTGCTCTGG-3'
Protein context (NP_944494.1, residues 321-341): IARKSLPKVS[Tyr331Asn]VTAMDLFVSV